The following is an entry in ClinVar:

ClinVar aggregate classification (germline): Conflicting classifications of pathogenicity. Review status: criteria provided, conflicting classifications (1 of 4 stars). 3 submissions from 3 submitters: Uncertain significance (1); Likely benign (2). Last evaluated 2025-06-27.

Conditions:
Inborn genetic diseases. Identifiers: MedGen C0950123, MeSH D030342.

Allele frequency attached by ClinVar (database versions not stated): 1000 Genomes Project 30x 0.00031; 1000 Genomes Project 0.00040; gnomAD 0.00053; TOPMed 0.00068; ESP Exome Variant Server 0.00093.
gnomAD v4.1: 298 of 1,612,408 alleles (0.018%); highest among the groups gnomAD compares: African/African-American, 0.19%; 2 homozygotes.

Submissions (3):

Labcorp Genetics (formerly Invitae), Labcorp
Classification: Likely benign. Last evaluated: 2025-06-27. Review status: criteria provided, single submitter. Criteria: Invitae Variant Classification Sherloc (09022015). Collection method: clinical testing. Allele origin: germline.

Mayo Clinic Laboratories, Mayo Clinic
Classification: Uncertain significance. Last evaluated: 2024-07-08. Review status: criteria provided, single submitter. Criteria: ACMG Guidelines, 2015. Collection method: clinical testing. Allele origin: germline. Observed: 1 variant allele.
Comment: BP4_strong

Ambry Genetics
Classification: Likely benign for Inborn genetic diseases. Last evaluated: 2022-11-10. Review status: criteria provided, single submitter. Criteria: Ambry Variant Classification Scheme 2023. Collection method: clinical testing. Allele origin: germline.

NM_005560.6(LAMA5):c.6547G>A (p.Ala2183Thr)

Gene: LAMA5 (laminin subunit alpha 5; minus strand). Cytogenetic location: 20q13.33.
Variant type: single nucleotide variant.
Coding change: c.6547G>A on transcript NM_005560.6 (MANE Select); coding-DNA position 6547, G replaced by A.
Protein change: p.Ala2183Thr; replaces alanine 2183 with threonine.
Molecular consequence: missense variant.
Genome position (GRCh38, 1-based): chr20:62,320,840, C>T on the plus strand (G>A on the coding strand, the complement: LAMA5 is on the minus strand). VCF-style: chr20-62320840-C-T. GRCh37 (hg19) VCF-style: chr20-60895896-C-T.
Other names: p.Ala2183Thr; short protein forms A2183T.
Identifiers: ClinVar variation 2068793 (VCV002068793.6), dbSNP rs113149937, ClinGen allele CA9941682.
Genomic context (GRCh38, chr20:62,320,840, plus strand): 5'-CCCAGGCCATGGAGCTGGCATTGATGCCACGCAGTTGCTCGTGAATGGCGGGGAGGAGGG[C>T]GCCGGCCCGTTCCAGGTCATCCAGGAGCAGGACCACACAGTGGTCACACACTGCAGGCGA-3'
Protein context (NP_005551.3, residues 2173-2193): LLLDDLERAG[Ala2183Thr]LLPAIHEQLR